The following is an entry in ClinVar:

NM_000136.3(FANCC):c.1043_1044del (p.Leu348fs)

Genes: AOPEP (aminopeptidase O (putative); plus strand), FANCC (FA complementation group C; minus strand). Cytogenetic location: 9q22.32.
Variant type: Deletion.
Coding change: c.1043_1044del on transcript NM_000136.3 (MANE Select); coding-DNA positions 1043 to 1044, 2 bases deleted (TT; older notation c.1043_1044delTT).
Protein change: p.Leu348fs; shifts the reading frame from leucine 348.
Molecular consequence: frameshift variant.
Genome position (GRCh38, 1-based): chr9:95,117,343-95,117,344, AA deleted on the plus strand (TT on the coding strand, the reverse complement: FANCC is on the minus strand). VCF-style (leftmost placement, unchanged base first): chr9-95117342-CAA-C. GRCh37 (hg19) VCF-style: chr9-97879624-CAA-C.
Other names: c.1043_1044delTT (NM_000136.2); c.1043_1044del, p.Leu348fs (NM_001243743.2, NM_001243744.2); short protein forms L348fs.
Identifiers: ClinVar variation 422160 (VCV000422160.8), dbSNP rs1064795597, ClinGen allele CA16618881.

ClinVar aggregate classification (germline): Pathogenic/Likely pathogenic. Review status: criteria provided, multiple submitters, no conflicts (2 of 4 stars). 4 submissions from 4 submitters: Pathogenic (2); Likely pathogenic (2). Last evaluated 2024-10-27.

Conditions:
Hereditary cancer-predisposing syndrome. Also called: Hereditary neoplastic syndrome; Neoplastic Syndromes, Hereditary; Tumor predisposition; Hereditary Cancer Syndrome. Identifiers: Orphanet 140162, MedGen C0027672, MeSH D009386, MONDO:0015356.
Fanconi anemia (FA). Also called: Fanconi's anemia. Identifiers: Orphanet 84, MedGen C0015625, MeSH D005199, MONDO:0019391.
Fanconi anemia complementation group C (FANCC). Also called: Fanconi anemia, group C; FANCONI PANCYTOPENIA, TYPE 3; FACC; FANCC-Related Fanconi Anemia. Identifiers: Orphanet 84, MedGen C3468041, MONDO:0009213, OMIM 227645.

Allele frequency attached by ClinVar (database versions not stated): TOPMed 0.00001.

Submissions (4):

Labcorp Genetics (formerly Invitae), Labcorp
Classification: Pathogenic for Fanconi anemia. Last evaluated: 2024-10-27. Review status: criteria provided, single submitter. Criteria: Invitae Variant Classification Sherloc (09022015). Collection method: clinical testing. Allele origin: germline.
Comment: This sequence change creates a premature translational stop signal (p.Leu348Argfs*25) in the FANCC gene. It is expected to result in an absent or disrupted protein product. Loss-of-function variants in FANCC are known to be pathogenic (PMID: 17924555). This variant is not present in population databases (gnomAD no frequency). This premature translational stop signal has been observed in individual(s) with breast cancer (PMID: 32427313). ClinVar contains an entry for this variant (Variation ID: 422160). For these reasons, this variant has been classified as Pathogenic.

Baylor Genetics
Classification: Likely pathogenic for Fanconi anemia complementation group C. Last evaluated: 2024-03-20. Review status: criteria provided, single submitter. Criteria: ACMG Guidelines, 2015. Collection method: clinical testing. Allele origin: unknown.

Ambry Genetics
Classification: Pathogenic for Hereditary cancer-predisposing syndrome. Last evaluated: 2023-10-03. Review status: criteria provided, single submitter. Criteria: Ambry Variant Classification Scheme 2023. Collection method: clinical testing. Allele origin: germline.
Comment: The c.1043_1044delTT pathogenic mutation, located in coding exon 10 of the FANCC gene, results from a deletion of two nucleotides at nucleotide positions 1043 to 1044, causing a translational frameshift with a predicted alternate stop codon (p.L348Rfs*25). This variant was observed in 1 of 5054 African American women with breast cancer (Palmer JR et al. J Natl Cancer Inst, 2020 Dec;112:1213-1221). This variant is considered to be rare based on population cohorts in the Genome Aggregation Database (gnomAD). In addition to the clinical data presented in the literature, this alteration is expected to result in loss of function by premature protein truncation or nonsense-mediated mRNA decay. As such, this alteration is interpreted as a disease-causing mutation.

GeneDx
Classification: Likely pathogenic. Last evaluated: 2022-12-25. Review status: criteria provided, single submitter. Criteria: GeneDx Variant Classification Process June 2021. Collection method: clinical testing. Allele origin: germline. Affected: yes.
Comment: Frameshift variant predicted to result in protein truncation or nonsense mediated decay in a gene for which loss of function is a known mechanism of disease; Not observed at significant frequency in large population cohorts (gnomAD); Identified in individuals with breast cancer (Palmer et al., 2020); This variant is associated with the following publications: (PMID: 32427313)

Literature cited by the submitters: PubMed 17924555 (cited by Labcorp Genetics (formerly Invitae), Labcorp); PubMed 32427313 (cited by Labcorp Genetics (formerly Invitae), Labcorp and Ambry Genetics).